The following is an entry in ClinVar:

ClinVar aggregate classification (germline): Uncertain significance (1 of 4 stars; one submission).

Conditions:
Familial cancer of breast. Also called: hereditary breast carcinoma; Hereditary breast cancer; BREAST CANCER, FAMILIAL. Identifiers: Orphanet 227535, MedGen C0346153, MONDO:0016419, OMIM 114480. Disease mechanism: loss of function.

Submission:

Labcorp Genetics (formerly Invitae), Labcorp
Classification: Uncertain significance for Familial cancer of breast. Last evaluated: 2021-01-02. Review status: criteria provided, single submitter. Criteria: Invitae Variant Classification Sherloc (09022015). Collection method: clinical testing. Allele origin: germline.
Comment: This variant has not been reported in the literature in individuals with CHEK2-related conditions. In summary, the available evidence is currently insufficient to determine the role of this variant in disease. Therefore, it has been classified as a Variant of Uncertain Significance. Algorithms developed to predict the effect of missense changes on protein structure and function are either unavailable or do not agree on the potential impact of this missense change (SIFT: "Deleterious"; PolyPhen-2: "Probably Damaging"; Align-GVGD: "Class C0"). This variant is not present in population databases (ExAC no frequency). This sequence change replaces alanine with proline at codon 247 of the CHEK2 protein (p.Ala247Pro). The alanine residue is highly conserved and there is a small physicochemical difference between alanine and proline.

NM_007194.4(CHEK2):c.739G>C (p.Ala247Pro)

Gene: CHEK2 (checkpoint kinase 2; minus strand). Cytogenetic location: 22q12.1.
Variant type: single nucleotide variant.
Coding change: c.739G>C on transcript NM_007194.4 (MANE Select); coding-DNA position 739, G replaced by C.
Protein change: p.Ala247Pro; replaces alanine 247 with proline.
Molecular consequence: missense variant.
Genome position (GRCh38, 1-based): chr22:28,711,962, C>G on the plus strand (G>C on the coding strand, the complement: CHEK2 is on the minus strand). VCF-style: chr22-28711962-C-G. GRCh37 (hg19) VCF-style: chr22-29107950-C-G.
Other names: c.868G>C, p.Ala290Pro (NM_001005735.3); c.76G>C, p.Ala26Pro (NM_001257387.3); c.538G>C, p.Ala180Pro (NM_001349956.3); c.739G>C, p.Ala247Pro (NM_145862.3); short protein forms A26P, A290P, A180P, A247P.
Identifiers: ClinVar variation 1499702 (VCV001499702.9), dbSNP rs2053411813, ClinGen allele CA411103268.